The following is an entry in ClinVar:

ClinVar aggregate classification (germline): Uncertain significance (1 of 4 stars; one submission).

Conditions:
Methylmalonic acidemia with homocystinuria, type cblJ (MAHCJ). Also called: METHYLMALONIC ACIDURIA AND HOMOCYSTINURIA, cblJ TYPE. Identifiers: Orphanet 369955, MedGen C3553915, MONDO:0013925, OMIM 614857.

Allele frequency attached by ClinVar (database versions not stated): gnomAD exomes below 0.00001; ExAC 0.00001; gnomAD 0.00001.

Submission:

Labcorp Genetics (formerly Invitae), Labcorp
Classification: Uncertain significance for Methylmalonic acidemia with homocystinuria, type cblJ. Last evaluated: 2023-08-10. Review status: criteria provided, single submitter. Criteria: Invitae Variant Classification Sherloc (09022015). Collection method: clinical testing. Allele origin: germline.
Comment: This sequence change replaces histidine, which is basic and polar, with tyrosine, which is neutral and polar, at codon 243 of the ABCD4 protein (p.His243Tyr). This variant is present in population databases (rs761053363, gnomAD 0.0009%). This variant has not been reported in the literature in individuals affected with ABCD4-related conditions. ClinVar contains an entry for this variant (Variation ID: 941066). Advanced modeling of protein sequence and biophysical properties (such as structural, functional, and spatial information, amino acid conservation, physicochemical variation, residue mobility, and thermodynamic stability) performed at Invitae indicates that this missense variant is not expected to disrupt ABCD4 protein function. In summary, the available evidence is currently insufficient to determine the role of this variant in disease. Therefore, it has been classified as a Variant of Uncertain Significance.

NM_005050.4(ABCD4):c.727C>T (p.His243Tyr)

Gene: ABCD4 (ATP binding cassette subfamily D member 4; minus strand). Cytogenetic location: 14q24.3.
Variant type: single nucleotide variant.
Coding change: c.727C>T on transcript NM_005050.4 (MANE Select); coding-DNA position 727, C replaced by T.
Protein change: p.His243Tyr; replaces histidine 243 with tyrosine.
Molecular consequence: missense variant. On other transcripts: non-coding transcript variant (6), intron variant (9).
Genome position (GRCh38, 1-based): chr14:74,293,241, G>A on the plus strand (C>T on the coding strand, the complement: ABCD4 is on the minus strand). VCF-style: chr14-74293241-G-A. GRCh37 (hg19) VCF-style: chr14-74759944-G-A.
Other names: c.601C>T, p.His201Tyr (NM_001353591.2, NM_001353592.2); c.466C>T, p.His156Tyr (NM_001353593.2); c.415C>T, p.His139Tyr (NM_001353594.2); c.313C>T, p.His105Tyr (NM_001353595.2, NM_001353596.2); c.262C>T, p.His88Tyr (NM_001353597.2); c.250C>T, p.His84Tyr (NM_001353598.2, NM_001353599.2, NM_001353600.2 and 2 more transcripts); c.727C>T, p.His243Tyr (NM_020325.3); c.26-372C>T (NM_001353607.2, NM_001353604.2, NM_001353603.2 and 6 more transcripts); short protein forms H105Y, H139Y, H243Y, H88Y, H156Y, H201Y, H84Y.
Identifiers: ClinVar variation 941066 (VCV000941066.9), dbSNP rs761053363, ClinGen allele CA7267073.
Genomic context (GRCh38, chr14:74,293,241, plus strand): 5'-GCTCCCTCTGGGTCTGAAGGAGTCTCTGCAGCCTGCGGTCTGTCCTCATGTGCTCCACAT[G>A]CCCAGCTCTGACAAGGAAAGGCTGGGATGTCCACAGGGCTGGAGAGGTTCAGCCAGGTTG-3'
Protein context (NP_005041.1, residues 233-253): AEPAAFYRAG[His243Tyr]VEHMRTDRRL